The following is an entry in ClinVar:

ClinVar aggregate classification (germline): Uncertain significance (1 of 4 stars; one submission).

Submission:

Labcorp Genetics (formerly Invitae), Labcorp
Classification: Uncertain significance. Last evaluated: 2024-01-05. Review status: criteria provided, single submitter. Criteria: Invitae Variant Classification Sherloc (09022015). Collection method: clinical testing. Allele origin: germline.
Comment: This sequence change falls in intron 10 of the COL4A1 gene. It does not directly change the encoded amino acid sequence of the COL4A1 protein. Information on the frequency of this variant in the gnomAD database is not available, as this variant may be reported differently in the database. This variant has not been reported in the literature in individuals affected with COL4A1-related conditions. Experimental studies and prediction algorithms are not available or were not evaluated, and the effect of this variant on mRNA splicing is currently unknown. In summary, the available evidence is currently insufficient to determine the role of this variant in disease. Therefore, it has been classified as a Variant of Uncertain Significance.

NM_001845.6(COL4A1):c.616-11_616-10delinsCG

Gene: COL4A1 (collagen type IV alpha 1 chain; minus strand). Cytogenetic location: 13q34.
Variant type: Indel.
Coding change: c.616-11_616-10delinsCG on transcript NM_001845.6 (MANE Select); 11 bases into the intron before coding-DNA position 616 through 10 bases into the intron before coding-DNA position 616, GT replaced by CG.
Molecular consequence: intron variant.
Genome position (GRCh38, 1-based): chr13:110,209,437-110,209,438, AC replaced by CG on the plus strand (GT replaced by CG on the coding strand, the reverse complement: COL4A1 is on the minus strand). VCF-style: chr13-110209437-AC-CG. GRCh37 (hg19) VCF-style: chr13-110861784-AC-CG.
Other names: c.616-11_616-10delinsCG (NM_001303110.2).
Identifiers: ClinVar variation 2986857 (VCV002986857.3), dbSNP rs2501593009, ClinGen allele CA2740097697.